The following is an entry in ClinVar:

ClinVar aggregate classification (germline): Pathogenic/Likely pathogenic. Review status: criteria provided, multiple submitters, no conflicts (2 of 4 stars). 2 submissions from 2 submitters: Pathogenic (1); Likely pathogenic (1). Last evaluated 2024-11-15.

Conditions:
Familial hypokalemia-hypomagnesemia (GTLMNS). Also called: gitelman syndrome; HYPOMAGNESEMIA-HYPOKALEMIA, PRIMARY RENOTUBULAR, WITH HYPOCALCIURIA; POTASSIUM AND MAGNESIUM DEPLETION. Identifiers: Orphanet 358, MedGen C0268450, MONDO:0009904, OMIM 263800.

Submissions (2):

Natera, Inc.
Classification: Likely pathogenic for Gitelman syndrome. Last evaluated: 2024-11-15. Review status: criteria provided, single submitter. Criteria: Natera Variant Classification Schema (03/2026). Collection method: clinical testing. Allele origin: germline.
Comment: The c.424dupG variant in SLC12A3 is a frameshift variant predicted to shift the reading frame beginning at codon 142 and leads to a stop codon 117 codons downstream. This variant is expected to result in nonsense mediated decay, truncation, or a dysfunctional protein product. This variant is rare in the general population with a frequency below the threshold expected for the associated phenotype(s). Given the available evidence, this variant is classified as Likely Pathogenic.

Labcorp Genetics (formerly Invitae), Labcorp
Classification: Pathogenic. Last evaluated: 2021-01-09. Review status: criteria provided, single submitter. Criteria: Invitae Variant Classification Sherloc (09022015). Collection method: clinical testing. Allele origin: germline.
Comment: For these reasons, this variant has been classified as Pathogenic. This variant has not been reported in the literature in individuals with SLC12A3-related conditions. This variant is not present in population databases (ExAC no frequency). This sequence change creates a premature translational stop signal (p.Val142Glyfs*117) in the SLC12A3 gene. It is expected to result in an absent or disrupted protein product. Loss-of-function variants in SLC12A3 are known to be pathogenic (PMID: 20848653, 22009145, 25841442).

Literature cited by the submitters: PubMed 20848653 (cited by Labcorp Genetics (formerly Invitae), Labcorp); PubMed 22009145 (cited by Labcorp Genetics (formerly Invitae), Labcorp); PubMed 25841442 (cited by Labcorp Genetics (formerly Invitae), Labcorp).

NM_001126108.2(SLC12A3):c.424dup (p.Val142fs)

Gene: SLC12A3 (solute carrier family 12 member 3; plus strand). Cytogenetic location: 16q13.
Variant type: Duplication.
Coding change: c.424dup on transcript NM_001126108.2 (MANE Select); coding-DNA position 424, one base duplicated (G; older notation c.424dupG).
Protein change: p.Val142fs; shifts the reading frame from valine 142.
Molecular consequence: frameshift variant.
Genome position (GRCh38, 1-based): chr16:56,867,211, G duplicated; the last of 5 consecutive G bases (chr16:56,867,207-56,867,211); duplicating any one gives the same sequence. VCF-style (leftmost placement, unchanged base first): chr16-56867206-A-AG. GRCh37 (hg19) VCF-style: chr16-56901118-A-AG.
Other names: c.424dup, p.Val142fs (NM_000339.3); c.421dup, p.Val141fs (NM_001126107.2); c.424dupG (NM_000339.2); short protein forms V142fs, V141fs.
Identifiers: ClinVar variation 1370918 (VCV001370918.8), dbSNP rs1395319276, ClinGen allele CA495602704.